The following is an entry in ClinVar:

ClinVar aggregate classification (germline): Likely benign. Review status: criteria provided, single submitter (1 of 4 stars). 2 submissions from 2 submitters: Likely benign (1). 1 of the submissions does not count toward it. Last evaluated 2024-09-20.

Conditions:
Chondrodysplasia Blomstrand type (BOCD). Identifiers: Orphanet 50945, MedGen C1859148, MONDO:0008970, OMIM 215045.
Eiken syndrome (EKNS). Also called: BONE MODELING DEFECT OF HANDS AND FEET. Identifiers: Orphanet 79106, MedGen C1838779, MONDO:0010803, OMIM 600002.

Allele frequency attached by ClinVar (database versions not stated): gnomAD exomes below 0.00001; TOPMed below 0.00001.

Submissions (2):

3billion
Classification: Likely benign for Eiken syndrome; Chondrodysplasia Blomstrand type. Last evaluated: 2024-09-20. Review status: criteria provided, single submitter. Criteria: ACMG Guidelines, 2015. Collection method: clinical testing. Allele origin: germline. Affected: no.
Comment: The homozygous variant was found in patients diagnosed with another variant in a different gene, with no symptoms related to the gene containing the homozygous variant.

Martin Pollak Laboratory,  Beth Israel Deaconess Medical Center
Classification: Uncertain significance. Review status: no assertion criteria provided. Collection method: not provided. Allele origin: unknown. Not counted in ClinVar's aggregate classification.
Comment: Lower and higher UCa2+ groups
ClinVar note: Converted during submission from unknown to Uncertain significance.

NM_000316.3(PTH1R):c.316C>T (p.Arg106Cys)

Gene: PTH1R (parathyroid hormone 1 receptor; plus strand). Cytogenetic location: 3p21.31.
Variant type: single nucleotide variant.
Coding change: c.316C>T on transcript NM_000316.3 (MANE Select); coding-DNA position 316, C replaced by T.
Protein change: p.Arg106Cys; replaces arginine 106 with cysteine.
Molecular consequence: missense variant.
Genome position (GRCh38, 1-based): chr3:46,897,857, C>T. VCF-style: chr3-46897857-C-T. GRCh37 (hg19) VCF-style: chr3-46939347-C-T.
Other names: c.316C>T, p.Arg106Cys (NM_001184744.1); short protein forms R106C.
Identifiers: ClinVar variation 64399 (VCV000064399.3), dbSNP rs387907461, ClinGen allele CA216060.